The following is an entry in ClinVar:

NM_002843.4(PTPRJ):c.3683A>G (p.Gln1228Arg)

Gene: PTPRJ (protein tyrosine phosphatase receptor type J; plus strand). Cytogenetic location: 11p11.2.
Variant type: single nucleotide variant.
Coding change: c.3683A>G on transcript NM_002843.4 (MANE Select); coding-DNA position 3683, A replaced by G.
Protein change: p.Gln1228Arg; replaces glutamine 1228 with arginine.
Molecular consequence: missense variant.
Genome position (GRCh38, 1-based): chr11:48,163,582, A>G. VCF-style: chr11-48163582-A-G. GRCh37 (hg19) VCF-style: chr11-48185134-A-G.
Other names: short protein forms Q1228R.
Identifiers: ClinVar variation 3058130 (VCV003058130.2), dbSNP rs201873108, ClinGen allele CA5982819.

ClinVar aggregate classification (germline): Likely benign (0 of 4 stars; one submission).

Conditions:
PTPRJ-related disorder. Also called: PTPRJ-related condition.

Allele frequency attached by ClinVar (database versions not stated): gnomAD 0.00018; ExAC 0.00021; TOPMed 0.00022; ESP Exome Variant Server 0.00038; gnomAD exomes 0.00045.
gnomAD v4.1: 679 of 1,613,938 alleles (0.042%); highest among the groups gnomAD compares: Non-Finnish European, 0.05%; 1 homozygote.

Submission:

PreventionGenetics, part of Exact Sciences
Classification: Likely benign for PTPRJ-related condition. Last evaluated: 2022-05-24. Review status: no assertion criteria provided. Collection method: clinical testing. Allele origin: germline.
Comment: This variant is classified as likely benign based on ACMG/AMP sequence variant interpretation guidelines (Richards et al. 2015 PMID: 25741868, with internal and published modifications).